The following is an entry in ClinVar:

ClinVar aggregate classification (germline): Uncertain significance. Review status: criteria provided, multiple submitters, no conflicts (2 of 4 stars). 2 submissions from 2 submitters: Uncertain significance (2). Last evaluated 2023-10-29.

Conditions:
Inborn genetic diseases. Identifiers: MedGen C0950123, MeSH D030342.

Allele frequency attached by ClinVar (database versions not stated): gnomAD exomes below 0.00001; gnomAD 0.00001.
gnomAD v4.1: 7 of 1,614,110 alleles (0.00043%); highest among the groups gnomAD compares: African/African-American, 0.0013%; no homozygotes.

Submissions (2):

Labcorp Genetics (formerly Invitae), Labcorp
Classification: Uncertain significance. Last evaluated: 2023-10-29. Review status: criteria provided, single submitter. Criteria: Invitae Variant Classification Sherloc (09022015). Collection method: clinical testing. Allele origin: germline.
Comment: This sequence change replaces serine, which is neutral and polar, with cysteine, which is neutral and slightly polar, at codon 74 of the TCF20 protein (p.Ser74Cys). This variant is not present in population databases (gnomAD no frequency). This missense change has been observed in individual(s) with TCF20-related conditions (PMID: 31238879). ClinVar contains an entry for this variant (Variation ID: 985550). An algorithm developed to predict the effect of missense changes on protein structure and function (PolyPhen-2) suggests that this variant is likely to be disruptive. In summary, the available evidence is currently insufficient to determine the role of this variant in disease. Therefore, it has been classified as a Variant of Uncertain Significance.

Ambry Genetics
Classification: Uncertain significance for Inborn genetic diseases. Last evaluated: 2020-01-21. Review status: criteria provided, single submitter. Criteria: Ambry Variant Classification Scheme 2023. Collection method: clinical testing. Allele origin: germline.
Comment: The alteration results in an amino acid change:_x000D_ _x000D_ The c.221C>G (p.S74C) alteration is located in coding exon 1 of the TCF20 gene. This alteration results from a C to G substitution at nucleotide position 221, causing the serine (S) at amino acid position 74 to be replaced by a cysteine (C). The alteration is not observed in population databases: _x000D_ _x000D_ Based on data from the Genome Aggregation Database (gnomAD), the TCF20 c.221C>G alteration was not observed, with coverage at this position. Details of this patient's specific phenotype was not provided (Trinh, 2019). The altered amino acid is not conserved throughout evolution:_x000D_ _x000D_ The p.S74 amino acid is conserved available higher vertebrate species. The alteration is predicted inconclusive by in silico modeling:_x000D_ _x000D_ The in silico prediction for the p.S74C alteration is inconclusive. Based on insufficient or conflicting evidence, the clinical significance of this alteration remains unclear.

Literature cited by the submitters: PubMed 31238879 (cited by Labcorp Genetics (formerly Invitae), Labcorp and Ambry Genetics).

NM_001378418.1(TCF20):c.221C>G (p.Ser74Cys)

Gene: TCF20 (transcription factor 20; minus strand). Cytogenetic location: 22q13.2.
Variant type: single nucleotide variant.
Coding change: c.221C>G on transcript NM_001378418.1 (MANE Select); coding-DNA position 221, C replaced by G.
Protein change: p.Ser74Cys; replaces serine 74 with cysteine.
Molecular consequence: missense variant.
Genome position (GRCh38, 1-based): chr22:42,215,085, G>C on the plus strand (C>G on the coding strand, the complement: TCF20 is on the minus strand). VCF-style: chr22-42215085-G-C. GRCh37 (hg19) VCF-style: chr22-42611091-G-C.
Other names: c.221C>G, p.Ser74Cys (NM_005650.4, NM_181492.3); short protein forms S74C.
Identifiers: ClinVar variation 985550 (VCV000985550.7), dbSNP rs1921581987, ClinGen allele CA411793472.